The following is an entry in ClinVar:

ClinVar aggregate classification (germline): Conflicting classifications of pathogenicity. Review status: criteria provided, conflicting classifications (1 of 4 stars). 2 submissions from 2 submitters: Likely pathogenic (1); Uncertain significance (1). Last evaluated 2020-05-21.

Conditions:
Developmental and epileptic encephalopathy, 13 (DEE13). Also called: Early infantile epileptic encephalopathy 13; SCN8A-Related Epilepsy; Developmental and Epileptic Encephalopathy (SCN8A-DEE). Identifiers: Orphanet 442835, MedGen C3281191, MONDO:0013801, OMIM 614558.
Early-infantile DEE. Also called: Early infantile epileptic encephalopathy; Early infantile epileptic encephalopathy with suppression bursts; Ohtahara syndrome. Identifiers: Orphanet 1934, MedGen C0393706, MONDO:0800491.

Submissions (2):

New York Genome Center
Classification: Likely pathogenic for Developmental and epileptic encephalopathy, 13. Last evaluated: 2020-05-21. Review status: criteria provided, single submitter. Criteria: NYGC Assertion Criteria 2020. Collection method: clinical testing. Allele origin: de novo. Observed: 1 heterozygote. Study: CSER-NYCKidSeq.
Comment: The de novo c.2983A>G (p.Asn995Asp) variant identified in the SCN8A gene substitutes a fully conserved Asparagine for Aspartic Acid at amino acid 995/1981 (coding exon 17/27). This variant is absent from gnomAD(v3.0) suggesting it is not a common benign variant in the populations represented in this database. In silico algorithms predict this variant to be Deleterious (Provean; score: -4.78) and Damaging (SIFT; score:0.00) to the function of the canonical transcript. This variant is reported in ClinVar as a Variant of Uncertain Significance (VarID:576451) and to our current knowledge has not been reported in affected individuals in the literature. The p.Asn995 residue is within the second transmembrane domain of SCN8A (UniProtKB:Q9UQD0), where other pathogenic variants have been reported in affected individuals (for Review [PMID:26029160]). Given its presence de novo in the affected individual, its absence in population databases, and prediction of damaging effect on the canonical transcript, the c.2983A>G (p.Asn995Asp) variant identified in the SCN8A gene is reported here as Likely Pathogenic.

Labcorp Genetics (formerly Invitae), Labcorp
Classification: Uncertain significance for Early-infantile DEE. Last evaluated: 2018-04-26. Review status: criteria provided, single submitter. Criteria: Invitae Variant Classification Sherloc (09022015). Collection method: clinical testing. Allele origin: germline.
Comment: In summary, the available evidence is currently insufficient to determine the role of this variant in disease. Therefore, it has been classified as a Variant of Uncertain Significance. Algorithms developed to predict the effect of missense changes on protein structure and function do not agree on the potential impact of this missense change (SIFT: "Deleterious"; PolyPhen-2: "Probably Damaging"; Align-GVGD: "Class C0"). This variant has not been reported in the literature in individuals with SCN8A-related disease. This variant is not present in population databases (ExAC no frequency). This sequence change replaces asparagine with aspartic acid at codon 995 of the SCN8A protein (p.Asn995Asp). The asparagine residue is highly conserved and there is a small physicochemical difference between asparagine and aspartic acid.

NM_001330260.2(SCN8A):c.2983A>G (p.Asn995Asp)

Gene: SCN8A (sodium voltage-gated channel alpha subunit 8; plus strand). Cytogenetic location: 12q13.13.
Variant type: single nucleotide variant.
Coding change: c.2983A>G on transcript NM_001330260.2 (MANE Select); coding-DNA position 2983, A replaced by G.
Protein change: p.Asn995Asp; replaces asparagine 995 with aspartic acid.
Molecular consequence: missense variant.
Genome position (GRCh38, 1-based): chr12:51,768,946, A>G. VCF-style: chr12-51768946-A-G. GRCh37 (hg19) VCF-style: chr12-52162730-A-G.
Other names: c.2983A>G, p.Asn995Asp (NM_001177984.3, NM_001369788.1, NM_014191.4); short protein forms N995D.
Identifiers: ClinVar variation 576451 (VCV000576451.11), dbSNP rs1565917769, ClinGen allele CA384892040.